The following is an entry in ClinVar:

NM_001005242.3(PKP2):c.712C>T (p.Pro238Ser)

Gene: PKP2 (plakophilin 2; minus strand). Cytogenetic location: 12p11.21.
Variant type: single nucleotide variant.
Coding change: c.712C>T on transcript NM_001005242.3 (MANE Select); coding-DNA position 712, C replaced by T.
Protein change: p.Pro238Ser; replaces proline 238 with serine.
Molecular consequence: missense variant.
Genome position (GRCh38, 1-based): chr12:32,878,168, G>A on the plus strand (C>T on the coding strand, the complement: PKP2 is on the minus strand). VCF-style: chr12-32878168-G-A. GRCh37 (hg19) VCF-style: chr12-33031102-G-A.
Other names: c.712C>T, p.Pro238Ser (NM_001407155.1, NM_001407156.1, NM_001407157.1 and 2 more transcripts); c.385C>T, p.Pro129Ser (NM_001407158.1, NM_001407159.1, NM_001407160.1 and 1 more transcripts); short protein forms P129S, P238S.
Identifiers: ClinVar variation 4757113 (VCV004757113.1).
Genomic context (GRCh38, chr12:32,878,168, plus strand): 5'-TCTCCAAGAGGTTGCCCATGCTGCGGCTGGTCCCTGGCCTGGGGTACGTGAGCAGGGCCG[G>A]GTTGGCAGGGATGCTGTCAAAAACGGTGTCGCTAACAGAGCCATGCTGGTACTGTCTGTG-3'
Protein context (NP_001005242.2, residues 228-248): DTVFDSIPAN[Pro238Ser]ALLTYPRPGT

ClinVar aggregate classification (germline): Uncertain significance (1 of 4 stars; one submission).

Conditions:
Cardiomyopathy (CMYO). Also called: Cardiomyopathies. Identifiers: Orphanet 167848, MedGen C0878544, MONDO:0004994, HP:0001638. Inheritance: Various modes of inheritance.

Submission:

Color Diagnostics, LLC DBA Color Health
Classification: Uncertain significance for Cardiomyopathy. Last evaluated: 2025-06-29. Review status: criteria provided, single submitter. Criteria: ACMG Guidelines, 2015. Collection method: clinical testing. Allele origin: germline.
Comment: This missense variant replaces proline with serine at codon 238 of the PKP2 protein. Computational prediction suggests that this variant may not impact protein structure and function. To our knowledge, functional studies have not been reported for this variant. This variant has not been reported in individuals affected with PKP2-related disorders in the literature. This variant has not been identified in the general population by the Genome Aggregation Database (gnomAD). The available evidence is insufficient to determine the role of this variant in disease conclusively. Therefore, this variant is classified as a Variant of Uncertain Significance.